The following is an entry in ClinVar:

ClinVar aggregate classification (germline): Uncertain significance (1 of 4 stars; one submission).

Conditions:
Inborn genetic diseases. Identifiers: MedGen C0950123, MeSH D030342.

Submission:

Ambry Genetics
Classification: Uncertain significance for Inborn genetic diseases. Last evaluated: 2025-04-12. Review status: criteria provided, single submitter. Criteria: Ambry Variant Classification Scheme 2023. Collection method: clinical testing. Allele origin: germline.
Comment: The p.Y963C variant (also known as c.2888A>G), located in coding exon 1 of the SAMD9 gene, results from an A to G substitution at nucleotide position 2888. The tyrosine at codon 963 is replaced by cysteine, an amino acid with highly dissimilar properties. This amino acid position is conserved. In addition, this alteration is predicted to be tolerated by in silico analysis. Based on the available evidence, the clinical significance of this variant remains unclear.

NM_017654.4(SAMD9):c.2888A>G (p.Tyr963Cys)

Gene: SAMD9 (sterile alpha motif domain containing 9; minus strand). Cytogenetic location: 7q21.2.
Variant type: single nucleotide variant.
Coding change: c.2888A>G on transcript NM_017654.4 (MANE Select); coding-DNA position 2888, A replaced by G.
Protein change: p.Tyr963Cys; replaces tyrosine 963 with cysteine.
Molecular consequence: missense variant.
Genome position (GRCh38, 1-based): chr7:93,103,210, T>C on the plus strand (A>G on the coding strand, the complement: SAMD9 is on the minus strand). VCF-style: chr7-93103210-T-C. GRCh37 (hg19) VCF-style: chr7-92732523-T-C.
Other names: c.2888A>G, p.Tyr963Cys (NM_001193307.2); short protein forms Y963C.
Identifiers: ClinVar variation 3949540 (VCV003949540.1).